The following is an entry in ClinVar:

ClinVar aggregate classification (germline): Uncertain significance (1 of 4 stars; one submission).

gnomAD v4.1: 7 of 1,335,580 alleles (0.00052%); highest among the groups gnomAD compares: African/African-American, 0.0016%; no homozygotes.

Submission:

Labcorp Genetics (formerly Invitae), Labcorp
Classification: Uncertain significance. Last evaluated: 2022-05-22. Review status: criteria provided, single submitter. Criteria: Invitae Variant Classification Sherloc (09022015). Collection method: clinical testing. Allele origin: germline.
Comment: In summary, the available evidence is currently insufficient to determine the role of this variant in disease. Therefore, it has been classified as a Variant of Uncertain Significance. Algorithms developed to predict the effect of missense changes on protein structure and function output the following: SIFT: "Tolerated"; PolyPhen-2: "Not Available"; Align-GVGD: "Class C0". The serine amino acid residue is found in multiple mammalian species, which suggests that this missense change does not adversely affect protein function. This variant has not been reported in the literature in individuals affected with PITPNM3-related conditions. This variant is present in population databases (no rsID available, gnomAD 0.01%). This sequence change replaces arginine, which is basic and polar, with serine, which is neutral and polar, at codon 6 of the PITPNM3 protein (p.Arg6Ser).

NM_031220.4(PITPNM3):c.16C>A (p.Arg6Ser)

Gene: PITPNM3 (PITPNM family member 3; minus strand). Cytogenetic location: 17p13.1.
Variant type: single nucleotide variant.
Coding change: c.16C>A on transcript NM_031220.4 (MANE Select); coding-DNA position 16, C replaced by A.
Protein change: p.Arg6Ser; replaces arginine 6 with serine.
Molecular consequence: missense variant.
Genome position (GRCh38, 1-based): chr17:6,556,391, G>T on the plus strand (C>A on the coding strand, the complement: PITPNM3 is on the minus strand). VCF-style: chr17-6556391-G-T. GRCh37 (hg19) VCF-style: chr17-6459711-G-T.
Other names: c.16C>A, p.Arg6Ser (NM_001165966.2); short protein forms R6S.
Identifiers: ClinVar variation 1940744 (VCV001940744.5), dbSNP rs1471395517, ClinGen allele CA397404484.
Genomic context (GRCh38, chr17:6,556,391, plus strand): 5'-CGCGCGAGTCCCTCCCCCGGGCCCCGGCCCTGCCCTCCCCGCGCCCGCCCTCACCTGCAC[G>T]GCCCGCCTTGGCCATGTCCCGGGCGGCGGGCTCCGGCGGCGCTACGCGCGCTCCTCGCGC-3'
Protein context (NP_112497.2, residues 1-16): MAKAG[Arg6Ser]AGGPPPGGGA